The following is an entry in ClinVar:

NM_001199107.2(TBC1D24):c.659T>C (p.Leu220Pro)

Gene: TBC1D24 (TBC1 domain family member 24; plus strand). Cytogenetic location: 16p13.3.
Variant type: single nucleotide variant.
Coding change: c.659T>C on transcript NM_001199107.2 (MANE Select); coding-DNA position 659, T replaced by C.
Protein change: p.Leu220Pro; replaces leucine 220 with proline.
Molecular consequence: missense variant.
Genome position (GRCh38, 1-based): chr16:2,496,807, T>C. VCF-style: chr16-2496807-T-C. GRCh37 (hg19) VCF-style: chr16-2546808-T-C.
Other names: c.659T>C, p.Leu220Pro (NM_020705.3); short protein forms L220P.
Identifiers: ClinVar variation 858035 (VCV000858035.10), dbSNP rs2065745991, ClinGen allele CA394376852.

ClinVar aggregate classification (germline): Uncertain significance (1 of 4 stars; one submission).

Conditions:
Developmental and epileptic encephalopathy, 1 (DEE1). Also called: INFANTILE SPASM SYNDROME, X-LINKED 1; X-linked infantile spasms; West's syndrome; Tonic spasms with clustering, arrest of psychomotor development and hypsarrhythmia on EEG; X-Linked Infantile Spasm Syndrome; OHTAHARA SYNDROME, X-LINKED. Identifiers: MedGen C3463992, MONDO:0010632, OMIM 308350. Disease mechanism: loss of function.
Autosomal dominant nonsyndromic hearing loss 65. Also called: TBC1D24-Related Autosomal Dominant Nonsyndromic Hearing Loss (DFNA); Deafness, autosomal dominant 65. Identifiers: Orphanet 90635, MedGen C3892048, MONDO:0014470, OMIM 616044.

Submission:

Labcorp Genetics (formerly Invitae), Labcorp
Classification: Uncertain significance for Developmental and epileptic encephalopathy, 1; Autosomal dominant nonsyndromic hearing loss 65. Last evaluated: 2022-08-09. Review status: criteria provided, single submitter. Criteria: Invitae Variant Classification Sherloc (09022015). Collection method: clinical testing. Allele origin: germline.
Comment: This sequence change replaces leucine, which is neutral and non-polar, with proline, which is neutral and non-polar, at codon 220 of the TBC1D24 protein (p.Leu220Pro). This variant is not present in population databases (gnomAD no frequency). This variant has not been reported in the literature in individuals affected with TBC1D24-related conditions. ClinVar contains an entry for this variant (Variation ID: 858035). In summary, the available evidence is currently insufficient to determine the role of this variant in disease. Therefore, it has been classified as a Variant of Uncertain Significance. Advanced modeling of protein sequence and biophysical properties (such as structural, functional, and spatial information, amino acid conservation, physicochemical variation, residue mobility, and thermodynamic stability) performed at Invitae indicates that this missense variant is expected to disrupt TBC1D24 protein function.